The following is an entry in ClinVar:

ClinVar aggregate classification (germline): Uncertain significance (1 of 4 stars; one submission).

Conditions:
Hereditary pancreatitis (PCTT). Also called: Hereditary chronic pancreatitis; PRSS1-Related Hereditary Pancreatitis. Identifiers: Orphanet 676, MedGen C0238339, MONDO:0008185, OMIM 167800.

Submission:

Ambry Genetics
Classification: Uncertain significance for Hereditary pancreatitis. Last evaluated: 2025-12-11. Review status: criteria provided, single submitter. Criteria: Ambry Variant Classification Scheme 2023. Collection method: clinical testing. Allele origin: germline.
Comment: The p.R68P variant (also known as c.203G>C), located in coding exon 3 of the PRSS1 gene, results from a G to C substitution at nucleotide position 203. The arginine at codon 68 is replaced by proline, an amino acid with dissimilar properties. This amino acid position is conserved. In addition, this alteration is predicted to be deleterious by in silico analysis. Based on the available evidence, the clinical significance of this variant remains unclear.

NM_002769.5(PRSS1):c.203G>C (p.Arg68Pro)

Genes: PRSS1 (serine protease 1; plus strand), TRB (T cell receptor beta locus; plus strand). Cytogenetic location: 7q34.
Variant type: single nucleotide variant.
Coding change: c.203G>C on transcript NM_002769.5 (MANE Select); coding-DNA position 203, G replaced by C.
Protein change: p.Arg68Pro; replaces arginine 68 with proline.
Molecular consequence: missense variant. On other transcripts: non-coding transcript variant (2).
Genome position (GRCh38, 1-based): chr7:142,751,776, G>C. VCF-style: chr7-142751776-G-C. GRCh37 (hg19) VCF-style: chr7-142459627-G-C.
Other names: short protein forms R68P.
Identifiers: ClinVar variation 4560697 (VCV004560697.1).